The following is an entry in ClinVar:

ClinVar aggregate classification (germline): Uncertain significance. Review status: criteria provided, multiple submitters, no conflicts (2 of 4 stars). 2 submissions from 2 submitters: Uncertain significance (2). Last evaluated 2023-12-09.

Conditions:
Cohen-Gibson syndrome (COGIS). Also called: EED-Related Overgrowth. Identifiers: Orphanet 659396, MedGen C4479654, MONDO:0060510, OMIM 617561.

Submissions (2):

Labcorp Genetics (formerly Invitae), Labcorp
Classification: Uncertain significance for Cohen-Gibson syndrome. Last evaluated: 2023-12-09. Review status: criteria provided, single submitter. Criteria: Invitae Variant Classification Sherloc (09022015). Collection method: clinical testing. Allele origin: germline.
Comment: This sequence change creates a premature translational stop signal (p.Lys89Argfs*23) in the EED gene. It is expected to result in an absent or disrupted protein product. However, the current clinical and genetic evidence is not sufficient to establish whether loss-of-function variants in EED cause disease. This variant is not present in population databases (gnomAD no frequency). This variant has not been reported in the literature in individuals affected with EED-related conditions. In summary, the available evidence is currently insufficient to determine the role of this variant in disease. Therefore, it has been classified as a Variant of Uncertain Significance.

Institute for Genomic Medicine (IGM) Clinical Laboratory, Nationwide Children's Hospital
Classification: Uncertain significance for Cohen-Gibson syndrome. Last evaluated: 2023-11-06. Review status: criteria provided, single submitter. Criteria: ACMG Guidelines, 2015. Collection method: clinical testing. Allele origin: germline.
Comment: This variant is absent from or present at an exceedingly low frequency in gnomAD, a large-scale control population database (ACMG/AMP: PM2).

NM_003797.5(EED):c.266del (p.Lys89fs)

Gene: EED (embryonic ectoderm development; plus strand). Cytogenetic location: 11q14.2.
Variant type: Deletion.
Coding change: c.266del on transcript NM_003797.5 (MANE Select); coding-DNA position 266, one base deleted (A; older notation c.266delA).
Protein change: p.Lys89fs; shifts the reading frame from lysine 89.
Molecular consequence: frameshift variant.
Genome position (GRCh38, 1-based): chr11:86,250,447, A deleted; the last of 2 consecutive A bases (chr11:86,250,446-86,250,447); deleting either gives the same sequence. VCF-style (leftmost placement, unchanged base first): chr11-86250445-CA-C. GRCh37 (hg19) VCF-style: chr11-85961487-CA-C.
Other names: c.266del, p.Lys89fs (NM_001308007.2, NM_001330334.2); short protein forms K89fs.
Identifiers: ClinVar variation 2701927 (VCV002701927.4), dbSNP rs2495764327, ClinGen allele CA2697548845.